The following is an entry in ClinVar:

ClinVar aggregate classification (germline): Pathogenic (1 of 4 stars; one submission).

Conditions:
Methylcobalamin deficiency type cblE (HMAE). Also called: HOMOCYSTINURIA-MEGALOBLASTIC ANEMIA, cblE TYPE; VITAMIN B12-RESPONSIVE HOMOCYSTINURIA, cblE TYPE; HOMOCYSTINURIA-MEGALOBLASTIC ANEMIA, cblE COMPLEMENTATION TYPE. Identifiers: Orphanet 2169, Orphanet 622, MedGen C1856057, MONDO:0009354, OMIM 236270.

Submission:

Labcorp Genetics (formerly Invitae), Labcorp
Classification: Pathogenic for Methylcobalamin deficiency type cblE. Last evaluated: 2024-12-16. Review status: criteria provided, single submitter. Criteria: Invitae Variant Classification Sherloc (09022015). Collection method: clinical testing. Allele origin: germline.
Comment: This sequence change creates a premature translational stop signal (p.Gly544Valfs*6) in the MTRR gene. It is expected to result in an absent or disrupted protein product. Loss-of-function variants in MTRR are known to be pathogenic (PMID: 15714522). This variant is not present in population databases (gnomAD no frequency). This variant has not been reported in the literature in individuals affected with MTRR-related conditions. ClinVar contains an entry for this variant (Variation ID: 2112831). For these reasons, this variant has been classified as Pathogenic.

Literature cited by the submitters: PubMed 15714522.

NM_002454.3(MTRR):c.1631del (p.Gly544fs)

Gene: MTRR (5-methyltetrahydrofolate-homocysteine methyltransferase reductase; plus strand). Cytogenetic location: 5p15.31.
Variant type: Deletion.
Coding change: c.1631del on transcript NM_002454.3 (MANE Select); coding-DNA position 1631, one base deleted (G; older notation c.1631delG).
Protein change: p.Gly544fs; shifts the reading frame from glycine 544.
Molecular consequence: frameshift variant. On other transcripts: non-coding transcript variant (14).
Genome position (GRCh38, 1-based): chr5:7,895,807, G deleted; the last of 3 consecutive G bases (chr5:7,895,805-7,895,807); deleting any one gives the same sequence. VCF-style (leftmost placement, unchanged base first): chr5-7895804-TG-T. GRCh37 (hg19) VCF-style: chr5-7895917-TG-T.
Other names: c.1631del, p.Gly544fs (NM_001364440.2, NM_001364441.2, NM_001364442.2 and 1 more transcripts); short protein forms G544fs.
Identifiers: ClinVar variation 2112831 (VCV002112831.4), dbSNP rs2479147977, ClinGen allele CA2580073447.